The following is an entry in ClinVar:

ClinVar aggregate classification (germline): Uncertain significance. Review status: criteria provided, multiple submitters, no conflicts (2 of 4 stars). 2 submissions from 2 submitters: Uncertain significance (2). Last evaluated 2025-09-08.

Conditions:
Hereditary cancer-predisposing syndrome. Also called: Tumor predisposition; Hereditary Cancer Syndrome; Hereditary neoplastic syndrome; Neoplastic Syndromes, Hereditary. Identifiers: Orphanet 140162, MedGen C0027672, MeSH D009386, MONDO:0015356.

Submissions (2):

Ambry Genetics
Classification: Uncertain significance for Hereditary cancer-predisposing syndrome. Last evaluated: 2025-09-08. Review status: criteria provided, single submitter. Criteria: Ambry Variant Classification Scheme 2023. Collection method: clinical testing. Allele origin: germline.
Comment: The p.T153A variant (also known as c.457A>G), located in coding exon 3 of the PDGFRA gene, results from an A to G substitution at nucleotide position 457. The threonine at codon 153 is replaced by alanine, an amino acid with similar properties. This amino acid position is well conserved in available vertebrate species. In addition, this alteration is predicted to be tolerated by in silico analysis. Based on the available evidence, the clinical significance of this variant remains unclear.

GeneDx
Classification: Uncertain significance. Last evaluated: 2023-05-07. Review status: criteria provided, single submitter. Criteria: GeneDx Variant Classification Process June 2021. Collection method: clinical testing. Allele origin: germline. Affected: yes.
Comment: Not observed at significant frequency in large population cohorts (gnomAD); In silico analysis supports that this missense variant has a deleterious effect on protein structure/function; Has not been previously published as pathogenic or benign to our knowledge

NM_006206.6(PDGFRA):c.457A>G (p.Thr153Ala)

Gene: PDGFRA (platelet derived growth factor receptor alpha; plus strand). Cytogenetic location: 4q12.
Variant type: single nucleotide variant.
Coding change: c.457A>G on transcript NM_006206.6 (MANE Select); coding-DNA position 457, A replaced by G.
Protein change: p.Thr153Ala; replaces threonine 153 with alanine.
Molecular consequence: missense variant.
Genome position (GRCh38, 1-based): chr4:54,263,756, A>G. VCF-style: chr4-54263756-A-G. GRCh37 (hg19) VCF-style: chr4-55129923-A-G.
Other names: c.457A>G, p.Thr153Ala (NM_001347827.2, NM_001347829.2); c.532A>G, p.Thr178Ala (NM_001347828.2); c.496A>G, p.Thr166Ala (NM_001347830.2); short protein forms T153A, T166A, T178A.
Identifiers: ClinVar variation 3343371 (VCV003343371.2).
Genomic context (GRCh38, chr4:54,263,756, plus strand): 5'-ATGACGGATTATTTAGTCATCGTGGAGGATGATGATTCTGCCATTATACCTTGTCGCACA[A>G]CTGATCCCGAGACTCCTGTAACCTTACACAACAGTGAGGGGGTGGTACCTGCCTCCTACG-3'
Protein context (NP_006197.1, residues 143-163): DDSAIIPCRT[Thr153Ala]DPETPVTLHN